The following is an entry in ClinVar:

ClinVar aggregate classification (germline): Uncertain significance (1 of 4 stars; one submission).

Submission:

Labcorp Genetics (formerly Invitae), Labcorp
Classification: Uncertain significance. Last evaluated: 2023-08-30. Review status: criteria provided, single submitter. Criteria: Invitae Variant Classification Sherloc (09022015). Collection method: clinical testing. Allele origin: germline.
Comment: In summary, the available evidence is currently insufficient to determine the role of this variant in disease. Therefore, it has been classified as a Variant of Uncertain Significance. An algorithm developed to predict the effect of missense changes on protein structure and function (PolyPhen-2) suggests that this variant is likely to be disruptive. ClinVar contains an entry for this variant (Variation ID: 1375416). This variant has not been reported in the literature in individuals affected with EPS8L2-related conditions. Information on the frequency of this variant in the gnomAD database is not available, as this variant may be reported differently in the database. This sequence change replaces alanine with valine at codon 341 of the EPS8L2 protein (p.Ala341Val). The alanine residue is weakly conserved and there is a small physicochemical difference between alanine and valine.

NM_022772.4(EPS8L2):c.1022_1023delinsTT (p.Ala341Val)

Gene: EPS8L2 (EPS8 signaling adaptor L2; plus strand). Cytogenetic location: 11p15.5.
Variant type: Indel.
Coding change: c.1022_1023delinsTT on transcript NM_022772.4 (MANE Select); coding-DNA positions 1022 to 1023, CG replaced by TT.
Protein change: p.Ala341Val; replaces alanine 341 with valine.
Molecular consequence: missense variant.
Genome position (GRCh38, 1-based): chr11:722,128-722,129, CG replaced by TT. VCF-style: chr11-722128-CG-TT. GRCh37 (hg19) VCF-style: chr11-722128-CG-TT.
Other names: short protein forms A341V.
Identifiers: ClinVar variation 1375416 (VCV001375416.6), dbSNP rs2133530744, ClinGen allele CA2573147208.